The following is an entry in ClinVar:

ClinVar aggregate classification (germline): Uncertain significance (1 of 4 stars; one submission).

Conditions:
Dyskeratosis congenita, autosomal recessive 6 (DKCB6). Identifiers: MedGen C4225356, MONDO:0014600, OMIM 616353.
Pulmonary fibrosis and/or bone marrow failure, Telomere-related, 4. Also called: PULMONARY FIBROSIS AND/OR BONE MARROW FAILURE SYNDROME, TELOMERE-RELATED, 4. Identifiers: Orphanet 2032, MedGen C4225347, MONDO:0014612, OMIM 616371.

Submission:

Labcorp Genetics (formerly Invitae), Labcorp
Classification: Uncertain significance for Dyskeratosis congenita, autosomal recessive 6; Pulmonary fibrosis and/or bone marrow failure, Telomere-related, 4. Last evaluated: 2026-01-21. Review status: criteria provided, single submitter. Criteria: Invitae Variant Classification Sherloc (09022015). Collection method: clinical testing. Allele origin: germline.
Comment: This sequence change replaces arginine, which is basic and polar, with glycine, which is neutral and non-polar, at codon 605 of the PARN protein (p.Arg605Gly). This variant is not present in population databases (gnomAD no frequency). This variant has not been reported in the literature in individuals affected with PARN-related conditions. An algorithm developed to predict the effect of missense changes on protein structure and function (PolyPhen-2) suggests that this variant is likely to be tolerated. In summary, the available evidence is currently insufficient to determine the role of this variant in disease. Therefore, it has been classified as a Variant of Uncertain Significance.

NM_002582.4(PARN):c.1813A>G (p.Arg605Gly)

Gene: PARN (poly(A)-specific ribonuclease; minus strand). Cytogenetic location: 16p13.12.
Variant type: single nucleotide variant.
Coding change: c.1813A>G on transcript NM_002582.4 (MANE Select); coding-DNA position 1813, A replaced by G.
Protein change: p.Arg605Gly; replaces arginine 605 with glycine.
Molecular consequence: missense variant.
Genome position (GRCh38, 1-based): chr16:14,446,939, T>C on the plus strand (A>G on the coding strand, the complement: PARN is on the minus strand). VCF-style: chr16-14446939-T-C. GRCh37 (hg19) VCF-style: chr16-14540796-T-C.
Other names: c.1630A>G, p.Arg544Gly (NM_001134477.3); c.1675A>G, p.Arg559Gly (NM_001242992.2); short protein forms R544G, R559G, R605G.
Identifiers: ClinVar variation 4787341 (VCV004787341.1).